The following is an entry in ClinVar:

ClinVar aggregate classification (germline): Uncertain significance (1 of 4 stars; one submission).

Allele frequency attached by ClinVar (database versions not stated): gnomAD 0.00001; gnomAD exomes 0.00002; ExAC 0.00006; 1000 Genomes Project 30x 0.00016; 1000 Genomes Project 0.00020.
gnomAD v4.1: 23 of 1,602,854 alleles (0.0014%); highest among the groups gnomAD compares: South Asian, 0.025%; no homozygotes.

Submission:

Labcorp Genetics (formerly Invitae), Labcorp
Classification: Uncertain significance. Last evaluated: 2022-03-15. Review status: criteria provided, single submitter. Criteria: Invitae Variant Classification Sherloc (09022015). Collection method: clinical testing. Allele origin: germline.
Comment: This sequence change replaces lysine, which is basic and polar, with glutamic acid, which is acidic and polar, at codon 96 of the PSMG2 protein (p.Lys96Glu). In summary, the available evidence is currently insufficient to determine the role of this variant in disease. Therefore, it has been classified as a Variant of Uncertain Significance. Algorithms developed to predict the effect of missense changes on protein structure and function (SIFT, PolyPhen-2, Align-GVGD) all suggest that this variant is likely to be tolerated. This variant has not been reported in the literature in individuals affected with PSMG2-related conditions. This variant is present in population databases (rs533142498, gnomAD 0.04%).

NM_020232.5(PSMG2):c.286A>G (p.Lys96Glu)

Gene: PSMG2 (proteasome assembly chaperone 2; plus strand). Cytogenetic location: 18p11.21.
Variant type: single nucleotide variant.
Coding change: c.286A>G on transcript NM_020232.5 (MANE Select); coding-DNA position 286, A replaced by G.
Protein change: p.Lys96Glu; replaces lysine 96 with glutamic acid.
Molecular consequence: missense variant.
Genome position (GRCh38, 1-based): chr18:12,712,758, A>G. VCF-style: chr18-12712758-A-G. GRCh37 (hg19) VCF-style: chr18-12712757-A-G.
Other names: c.193A>G, p.Lys65Glu (NM_147163.2); short protein forms K65E, K96E.
Identifiers: ClinVar variation 2110441 (VCV002110441.4), dbSNP rs533142498, ClinGen allele CA8898344.
Genomic context (GRCh38, chr18:12,712,758, plus strand): 5'-ATAGTGTATTCATTGCCTTCAAGAAAGCTGGTGGCTCTACAGTTAAGATCCATTTTTATT[A>G]AGGTTAGTATGTTGTAGTTTGCCTTTTTGTTTATTAAAGTGTAATGAGAAAATAAGTAAC-3'
Protein context (NP_064617.2, residues 86-106): VALQLRSIFI[Lys96Glu]YKSKPFCEKL